The following is an entry in ClinVar:

NM_019594.4(LRRC8A):c.2107G>A (p.Asp703Asn)

Gene: LRRC8A (leucine rich repeat containing 8 VRAC subunit A; plus strand). Cytogenetic location: 9q34.11.
Variant type: single nucleotide variant.
Coding change: c.2107G>A on transcript NM_019594.4 (MANE Select); coding-DNA position 2107, G replaced by A.
Protein change: p.Asp703Asn; replaces aspartic acid 703 with asparagine.
Molecular consequence: missense variant.
Genome position (GRCh38, 1-based): chr9:128,909,271, G>A. VCF-style: chr9-128909271-G-A. GRCh37 (hg19) VCF-style: chr9-131671550-G-A.
Other names: c.2107G>A (NM_001127244.1); c.2107G>A, p.Asp703Asn (NM_001127244.2, NM_001127245.2); short protein forms D703N.
Identifiers: ClinVar variation 1367005 (VCV001367005.11), dbSNP rs773203371, ClinGen allele CA5270991.

ClinVar aggregate classification (germline): Uncertain significance. Review status: criteria provided, multiple submitters, no conflicts (2 of 4 stars). 3 submissions from 3 submitters: Uncertain significance (3). Last evaluated 2025-11-05.

Conditions:
Agammaglobulinemia 5, autosomal dominant (AGM5). Also called: AGAMMAGLOBULINEMIA, AUTOSOMAL DOMINANT, DUE TO LRRC8A DEFECT. Identifiers: MedGen C3150753, MONDO:0013290, OMIM 613506.

Allele frequency attached by ClinVar (database versions not stated): ExAC 0.00002; gnomAD exomes 0.00002; TOPMed 0.00003; gnomAD 0.00004 and 0.00005.
gnomAD v4.1: 63 of 1,613,780 alleles (0.0039%); highest among the groups gnomAD compares: Non-Finnish European, 0.0048%; no homozygotes.

Submissions (3):

Clinical Genomics Laboratory, Washington University in St. Louis
Classification: Uncertain significance for Agammaglobulinemia 5, autosomal dominant. Last evaluated: 2025-11-05. Review status: criteria provided, single submitter. Criteria: ACMG Guidelines, 2015. Collection method: clinical testing. Allele origin: germline.
Comment: The LRRC8A c.2107G>A (p.Asp703Asn) variant, to our knowledge, has not been reported in the medical literature. This variant is only observed on 8/282,552 alleles in the general population (gnomAD v2.1.1), indicating it is not a common variant. Computational predictors are uncertain as to the impact of this variant on LRRC8A function. This variant has been reported in the ClinVar database as a germline variant of uncertain significance by two submitters. Due to limited information, the clinical significance of this variant is uncertain.

Ambry Genetics
Classification: Uncertain significance. Last evaluated: 2025-10-14. Review status: criteria provided, single submitter. Criteria: Ambry Variant Classification Scheme 2023. Collection method: clinical testing. Allele origin: germline.

Labcorp Genetics (formerly Invitae), Labcorp
Classification: Uncertain significance. Last evaluated: 2025-07-15. Review status: criteria provided, single submitter. Criteria: Invitae Variant Classification Sherloc (09022015). Collection method: clinical testing. Allele origin: germline.
Comment: This sequence change replaces aspartic acid, which is acidic and polar, with asparagine, which is neutral and polar, at codon 703 of the LRRC8A protein (p.Asp703Asn). This variant is present in population databases (rs773203371, gnomAD 0.006%). This variant has not been reported in the literature in individuals affected with LRRC8A-related conditions. ClinVar contains an entry for this variant (Variation ID: 1367005). An algorithm developed to predict the effect of missense changes on protein structure and function (PolyPhen-2) suggests that this variant is likely to be tolerated. In summary, the available evidence is currently insufficient to determine the role of this variant in disease. Therefore, it has been classified as a Variant of Uncertain Significance.